The following is an entry in ClinVar:

Conditions:
Breast-ovarian cancer, familial, susceptibility to, 1 (BROVCA1). Also called: BRCA1 Hereditary Breast and Ovarian Cancer; OVARIAN CANCER, SUSCEPTIBILITY TO. Identifiers: Orphanet 145, MedGen C2676676, MONDO:0011450, OMIM 604370. Disease mechanism: loss of function.

Submission:

Brotman Baty Institute, University of Washington
No classification provided (evidence only). Condition: Breast-ovarian cancer, familial 1. Review status: no classification provided. Collection method: in vitro. Allele origin: not applicable. Functional consequence: functionally_normal.
ClinVar note: "not provided" was previously submitted as the classification for the variant. However, the classification appeared to be based only on an observation of functional data so it was converted to no classification on 2025-07-30.

NM_007294.4(BRCA1):c.5298C>A (p.Ile1766=)

Gene: BRCA1 (BRCA1 DNA repair associated; minus strand). Cytogenetic location: 17q21.31.
Variant type: single nucleotide variant.
Coding change: c.5298C>A on transcript NM_007294.4 (MANE Select); coding-DNA position 5298, C replaced by A.
Protein change: p.Ile1766=; no amino-acid change (isoleucine 1766 retained).
Molecular consequence: synonymous variant. On other transcripts: intron variant (2).
Genome position (GRCh38, 1-based): chr17:43,051,097, G>T on the plus strand (C>A on the coding strand, the complement: BRCA1 is on the minus strand). VCF-style: chr17-43051097-G-T. GRCh37 (hg19) VCF-style: chr17-41203114-G-T.
Other names: c.5088C>A, p.Ile1696= (NM_001407884.1, NM_001407885.1, NM_001407886.1 and 5 more transcripts); c.5085C>A, p.Ile1695= (NM_001407894.1, NM_001407895.1, NM_001407896.1 and 12 more transcripts); c.5082C>A, p.Ile1694= (NM_001407915.1, NM_001407916.1, NM_001407917.1 and 1 more transcripts); c.5034C>A, p.Ile1678= (NM_001407920.1, NM_001407921.1, NM_001407922.1 and 4 more transcripts); c.5031C>A, p.Ile1677= (NM_001407927.1, NM_001407928.1, NM_001407929.1 and 4 more transcripts); c.5028C>A, p.Ile1676= (NM_001407934.1, NM_001407935.1, NM_001407936.1); c.5175C>A, p.Ile1725= (NM_001407937.1, NM_001407938.1, NM_001407664.1 and 5 more transcripts); c.5172C>A, p.Ile1724= (NM_001407939.1, NM_001407940.1, NM_001407670.1 and 10 more transcripts); and 74 more.
Identifiers: ClinVar variation 867966 (VCV000867966.3), dbSNP rs2051207482, ClinGen allele CA500143593.